The following is an entry in ClinVar:

NM_014254.3(RXYLT1):c.1065C>T (p.Asp355=)

Gene: RXYLT1 (ribitol xylosyltransferase 1; plus strand). Cytogenetic location: 12q14.2.
Variant type: single nucleotide variant.
Coding change: c.1065C>T on transcript NM_014254.3 (MANE Select); coding-DNA position 1065, C replaced by T.
Protein change: p.Asp355=; no amino-acid change (aspartic acid 355 retained).
Molecular consequence: synonymous variant.
Genome position (GRCh38, 1-based): chr12:63,808,825, C>T. VCF-style: chr12-63808825-C-T. GRCh37 (hg19) VCF-style: chr12-64202605-C-T.
Other names: c.285C>T, p.Asp95= (NM_001278237.2).
Identifiers: ClinVar variation 514022 (VCV000514022.51), dbSNP rs751828591, ClinGen allele CA6666235.
Genomic context (GRCh38, chr12:63,808,825, plus strand): 5'-CACAGAATGCTATCGAATCTATGAGGCTTGCTCCTATGGCTCCATTCCTGTGGTGGAAGA[C>T]GTGATGACAGCTGGCAACTGTGGGAATACATCTGTGCACCACGGTGCTCCTCTGCAGTTA-3'
Protein context (NP_055069.1, residues 345-365): CSYGSIPVVE[Asp355=]VMTAGNCGNT

ClinVar aggregate classification (germline): Likely benign. Review status: criteria provided, multiple submitters, no conflicts (2 of 4 stars). 3 submissions from 3 submitters: Likely benign (3). Last evaluated 2026-01-17.

Allele frequency attached by ClinVar (database versions not stated): gnomAD 0.00001; ExAC 0.00002; TOPMed 0.00002.
gnomAD v4.1: 37 of 1,613,966 alleles (0.0023%); highest among the groups gnomAD compares: East Asian, 0.011%; no homozygotes.

Submissions (3):

Labcorp Genetics (formerly Invitae), Labcorp
Classification: Likely benign. Last evaluated: 2026-01-17. Review status: criteria provided, single submitter. Criteria: Invitae Variant Classification Sherloc (09022015). Collection method: clinical testing. Allele origin: germline.

CeGaT Center for Human Genetics Tuebingen
Classification: Likely benign. Last evaluated: 2019-12-01. Review status: criteria provided, single submitter. Criteria: CeGaT Center For Human Genetics Tuebingen Variant Classification Criteria Version 2. Collection method: clinical testing. Allele origin: germline. Affected: yes. Observed: 1 variant allele.

GeneDx
Classification: Likely benign. Last evaluated: 2017-12-19. Review status: criteria provided, single submitter. Criteria: GeneDx Variant Classification (06012015). Collection method: clinical testing. Allele origin: germline. Affected: yes.
Comment: This variant is considered likely benign or benign based on one or more of the following criteria: it is a conservative change, it occurs at a poorly conserved position in the protein, it is predicted to be benign by multiple in silico algorithms, and/or has population frequency not consistent with disease.